The following is an entry in ClinVar:

ClinVar aggregate classification (germline): Uncertain significance. Review status: criteria provided, single submitter (1 of 4 stars). 2 submissions from 2 submitters: Uncertain significance (1). 1 of the submissions does not count toward it. Last evaluated 2024-11-13.

Conditions:
Inborn genetic diseases. Identifiers: MedGen C0950123, MeSH D030342.
SCAPER-related disorder. Also called: SCAPER-related condition.

Allele frequency attached by ClinVar (database versions not stated): gnomAD exomes below 0.00001; gnomAD 0.00001; TOPMed 0.00002.
gnomAD v4.1: 14 of 1,612,678 alleles (0.00087%); highest among the groups gnomAD compares: African/African-American, 0.004%; no homozygotes.

Submissions (2):

Ambry Genetics
Classification: Uncertain significance for Inborn genetic diseases. Last evaluated: 2024-11-13. Review status: criteria provided, single submitter. Criteria: Ambry Variant Classification Scheme 2023. Collection method: clinical testing. Allele origin: germline.

PreventionGenetics, part of Exact Sciences
Classification: Uncertain significance for SCAPER-related condition. Last evaluated: 2024-08-16. Review status: no assertion criteria provided. Collection method: clinical testing. Allele origin: germline. Not counted in ClinVar's aggregate classification.
Comment: The SCAPER c.2926G>A variant is predicted to result in the amino acid substitution p.Val976Ile. To our knowledge, this variant has not been reported in the literature. This variant is reported in 0.010% of alleles in individuals of Ashkenazi Jewish descent in gnomAD. At this time, the clinical significance of this variant is uncertain due to the absence of conclusive functional and genetic evidence.

NM_020843.4(SCAPER):c.2908G>A (p.Val970Ile)

Gene: SCAPER (S-phase cyclin A associated protein in the ER; minus strand). Cytogenetic location: 15q24.3.
Variant type: single nucleotide variant.
Coding change: c.2908G>A on transcript NM_020843.4 (MANE Select); coding-DNA position 2908, G replaced by A.
Protein change: p.Val970Ile; replaces valine 970 with isoleucine.
Molecular consequence: missense variant. On other transcripts: non-coding transcript variant (1).
Genome position (GRCh38, 1-based): chr15:76,504,905, C>T on the plus strand (G>A on the coding strand, the complement: SCAPER is on the minus strand). VCF-style: chr15-76504905-C-T. GRCh37 (hg19) VCF-style: chr15-76797246-C-T.
Other names: c.2170G>A, p.Val724Ile (NM_001145923.2); c.2926G>A, p.Val976Ile (NM_001353009.2); c.2506G>A, p.Val836Ile (NM_001353010.2, NM_001353012.2); c.2524G>A, p.Val842Ile (NM_001353011.2); c.2926G>A (NM_001353009.1); short protein forms V724I, V970I, V836I, V842I, V976I.
Identifiers: ClinVar variation 2342474 (VCV002342474.4), dbSNP rs1489265235, ClinGen allele CA393633811.